The following is an entry in ClinVar:

ClinVar aggregate classification (germline): Uncertain significance. Review status: criteria provided, multiple submitters, no conflicts (2 of 4 stars). 2 submissions from 2 submitters: Uncertain significance (2). Last evaluated 2022-12-23.

Conditions:
Infantile spasms. Also called: Infantile spasm. Identifiers: MedGen C3887898, HP:0012469.

gnomAD v4.1: 51 of 1,614,056 alleles (0.0032%); highest among the groups gnomAD compares: South Asian, 0.013%; 1 homozygote.

Submissions (2):

Labcorp Genetics (formerly Invitae), Labcorp
Classification: Uncertain significance for Infantile spasms. Last evaluated: 2022-12-23. Review status: criteria provided, single submitter. Criteria: Invitae Variant Classification Sherloc (09022015). Collection method: clinical testing. Allele origin: germline.
Comment: This variant is present in population databases (rs182619826, gnomAD 0.02%). This sequence change replaces alanine, which is neutral and non-polar, with threonine, which is neutral and polar, at codon 277 of the PIK3AP1 protein (p.Ala277Thr). This variant has not been reported in the literature in individuals affected with PIK3AP1-related conditions. In summary, the available evidence is currently insufficient to determine the role of this variant in disease. Therefore, it has been classified as a Variant of Uncertain Significance. Algorithms developed to predict the effect of missense changes on protein structure and function are either unavailable or do not agree on the potential impact of this missense change (SIFT: "Tolerated"; PolyPhen-2: "Possibly Damaging"; Align-GVGD: "Class C0").

Ambry Genetics
Classification: Uncertain significance. Last evaluated: 2021-12-03. Review status: criteria provided, single submitter. Criteria: Ambry Variant Classification Scheme 2023. Collection method: clinical testing. Allele origin: germline.

NM_152309.3(PIK3AP1):c.829G>A (p.Ala277Thr)

Gene: PIK3AP1 (phosphoinositide-3-kinase adaptor protein 1; minus strand). Cytogenetic location: 10q24.1.
Variant type: single nucleotide variant.
Coding change: c.829G>A on transcript NM_152309.3 (MANE Select); coding-DNA position 829, G replaced by A.
Protein change: p.Ala277Thr; replaces alanine 277 with threonine.
Molecular consequence: missense variant.
Genome position (GRCh38, 1-based): chr10:96,651,535, C>T on the plus strand (G>A on the coding strand, the complement: PIK3AP1 is on the minus strand). VCF-style: chr10-96651535-C-T. GRCh37 (hg19) VCF-style: chr10-98411292-C-T.
Other names: c.829G>A (NM_152309.2); short protein forms A277T.
Identifiers: ClinVar variation 2140927 (VCV002140927.5), dbSNP rs182619826, ClinGen allele CA5626442.